The following is an entry in ClinVar:

ClinVar aggregate classification (germline): Uncertain significance (1 of 4 stars; one submission).

gnomAD v4.1: 2 of 1,613,934 alleles (0.00012%); no homozygotes.

Submission:

Women's Health and Genetics/Laboratory Corporation of America, LabCorp
Classification: Uncertain significance. Last evaluated: 2026-05-06. Review status: criteria provided, single submitter. Criteria: LabCorp Variant Classification Summary - May 2015. Collection method: clinical testing. Allele origin: germline.
Comment: Variant summary: ABCC6 c.169C>G (p.His57Asp) results in a non-conservative amino acid change in the encoded protein sequence. Algorithms developed to predict the effect of missense changes on protein structure and function are either unavailable or do not agree on the potential impact of this missense change. The variant was absent in 250608 control chromosomes. The available data on variant occurrences in the general population are insufficient to allow any conclusion about variant significance. To our knowledge, no occurrence of c.169C>G in individuals affected with ABCC6-related conditions and no experimental evidence demonstrating its impact on protein function have been reported. No submitters have cited clinical-significance assessments for this variant to ClinVar. Based on the evidence outlined above, the variant was classified as uncertain significance.

NM_001171.6(ABCC6):c.169C>G (p.His57Asp)

Gene: ABCC6 (ATP binding cassette subfamily C member 6; minus strand). Cytogenetic location: 16p13.11.
Variant type: single nucleotide variant.
Coding change: c.169C>G on transcript NM_001171.6 (MANE Select); coding-DNA position 169, C replaced by G.
Protein change: p.His57Asp; replaces histidine 57 with aspartic acid.
Molecular consequence: missense variant. On other transcripts: 5 prime UTR variant (1), non-coding transcript variant (4).
Genome position (GRCh38, 1-based): chr16:16,221,699, G>C on the plus strand (C>G on the coding strand, the complement: ABCC6 is on the minus strand). VCF-style: chr16-16221699-G-C. GRCh37 (hg19) VCF-style: chr16-16315556-G-C.
Other names: c.169C>G, p.His57Asp (NM_001079528.4, NM_001440309.1, NM_001440310.1); c.-205C>G (NM_001351800.1); short protein forms H57D.
Identifiers: ClinVar variation 4853515 (VCV004853515.1).